The following is an entry in ClinVar:

NM_173598.6(KSR2):c.788G>A (p.Arg263His)

Gene: KSR2 (kinase suppressor of ras 2; minus strand). Cytogenetic location: 12q24.23.
Variant type: single nucleotide variant.
Coding change: c.788G>A on transcript NM_173598.6 (MANE Select); coding-DNA position 788, G replaced by A.
Protein change: p.Arg263His; replaces arginine 263 with histidine.
Molecular consequence: missense variant.
Genome position (GRCh38, 1-based): chr12:117,761,209, C>T on the plus strand (G>A on the coding strand, the complement: KSR2 is on the minus strand). VCF-style: chr12-117761209-C-T. GRCh37 (hg19) VCF-style: chr12-118199014-C-T.
Other names: short protein forms R263H.
Identifiers: ClinVar variation 3352113 (VCV003352113.1).

ClinVar aggregate classification (germline): Uncertain significance (0 of 4 stars; one submission).

Conditions:
KSR2-related disorder. Also called: KSR2-related condition.

Submission:

PreventionGenetics, part of Exact Sciences
Classification: Uncertain significance for KSR2-related condition. Last evaluated: 2023-10-18. Review status: no assertion criteria provided. Collection method: clinical testing. Allele origin: germline.
Comment: The KSR2 c.701G>A variant is predicted to result in the amino acid substitution p.Arg234His. To our knowledge, this variant has not been reported in the literature. This variant is reported in 0.0061% of alleles in individuals of East Asian descent in gnomAD. At this time, the clinical significance of this variant is uncertain due to the absence of conclusive functional and genetic evidence.